The following is an entry in ClinVar:

NM_012144.4(DNAI1):c.710A>T (p.Glu237Val)

Gene: DNAI1 (dynein axonemal intermediate chain 1; plus strand). Cytogenetic location: 9p13.3.
Variant type: single nucleotide variant.
Coding change: c.710A>T on transcript NM_012144.4 (MANE Select); coding-DNA position 710, A replaced by T.
Protein change: p.Glu237Val; replaces glutamic acid 237 with valine.
Molecular consequence: missense variant.
Genome position (GRCh38, 1-based): chr9:34,493,222, A>T. VCF-style: chr9-34493222-A-T. GRCh37 (hg19) VCF-style: chr9-34493220-A-T.
Other names: c.722A>T, p.Glu241Val (NM_001281428.2); short protein forms E237V, E241V.
Identifiers: ClinVar variation 841526 (VCV000841526.18), dbSNP rs1824644753, ClinGen allele CA373249036.

ClinVar aggregate classification (germline): Uncertain significance (1 of 4 stars; one submission).

Conditions:
Primary ciliary dyskinesia. Also called: Ciliary dyskinesia. Identifiers: Orphanet 244, MedGen C0008780, MONDO:0016575, HP:0012265.

Submission:

Labcorp Genetics (formerly Invitae), Labcorp
Classification: Uncertain significance for Primary ciliary dyskinesia. Last evaluated: 2019-12-20. Review status: criteria provided, single submitter. Criteria: Invitae Variant Classification Sherloc (09022015). Collection method: clinical testing. Allele origin: germline.
Comment: Algorithms developed to predict the effect of sequence changes on RNA splicing suggest that this variant may create or strengthen a splice site, but this prediction has not been confirmed by published transcriptional studies. Algorithms developed to predict the effect of missense changes on protein structure and function are either unavailable or do not agree on the potential impact of this missense change (SIFT: "Tolerated"; PolyPhen-2: "Possibly Damaging"; Align-GVGD: "Class C0"). This variant has not been reported in the literature in individuals with DNAI1-related conditions. This variant is not present in population databases (ExAC no frequency). This sequence change replaces glutamic acid with valine at codon 237 of the DNAI1 protein (p.Glu237Val). The glutamic acid residue is moderately conserved and there is a moderate physicochemical difference between glutamic acid and valine. In summary, the available evidence is currently insufficient to determine the role of this variant in disease. Therefore, it has been classified as a Variant of Uncertain Significance.